The following is an entry in ClinVar:

ClinVar aggregate classification (germline): Pathogenic. Review status: reviewed by expert panel (3 of 4 stars). 2 submissions from 2 submitters: Pathogenic (1). 1 of the submissions does not count toward it. Last evaluated 2016-10-18.

Conditions:
Breast-ovarian cancer, familial, susceptibility to, 1 (BROVCA1). Also called: BRCA1 Hereditary Breast and Ovarian Cancer; OVARIAN CANCER, SUSCEPTIBILITY TO. Identifiers: Orphanet 145, MedGen C2676676, MONDO:0011450, OMIM 604370. Disease mechanism: loss of function.

Submissions (2):

Evidence-based Network for the Interpretation of Germline Mutant Alleles (ENIGMA)
Classification: Pathogenic for Breast-ovarian cancer, familial, susceptibility to, 1. Last evaluated: 2016-10-18. Review status: reviewed by expert panel. Criteria: ENIGMA BRCA1/2 Classification Criteria (2015). Collection method: curation. Allele origin: germline.
Comment: Variant allele predicted to encode a truncated non-functional protein.

Consortium of Investigators of Modifiers of BRCA1/2 (CIMBA), c/o University of Cambridge
Classification: Pathogenic for Breast-ovarian cancer, familial, susceptibility to, 1. Last evaluated: 2015-10-02. Review status: criteria provided, single submitter. Criteria: CIMBA Mutation Classification guidelines May 2016. Collection method: clinical testing. Allele origin: germline. Not counted in ClinVar's aggregate classification.

NM_007294.4(BRCA1):c.3628del (p.Glu1210fs)

Genes: BRCA1 (BRCA1 DNA repair associated; minus strand), LOC126862571 (BRD4-independent group 4 enhancer GRCh37_chr17:41243136-41244335; plus strand). Cytogenetic location: 17q21.31.
Variant type: Deletion.
Coding change: c.3628del on transcript NM_007294.4 (MANE Select); coding-DNA position 3628, one base deleted (G; older notation c.3628delG).
Protein change: p.Glu1210fs; shifts the reading frame from glutamic acid 1210.
Molecular consequence: frameshift variant. On other transcripts: intron variant (135).
Genome position (GRCh38, 1-based): chr17:43,091,903, C deleted on the plus strand (G on the coding strand, the reverse complement: BRCA1 is on the minus strand). VCF-style (leftmost placement, unchanged base first): chr17-43091902-TC-T. GRCh37 (hg19) VCF-style: chr17-41243919-TC-T.
Other names: 3747delG; c.785-871del (NM_001407984.1, NM_001408398.1, NM_001407992.1 and 13 more transcripts); c.665-871del (NM_001408443.1, NM_001408439.1, NM_001408425.1 and 12 more transcripts); c.671-871del (NM_001408419.1, NM_001408422.1, NM_001408418.1 and 2 more transcripts); c.788-871del (NM_001408403.1, NM_001407983.1, NM_001407975.1 and 17 more transcripts); c.791-880del (NM_001408406.1); c.647-871del (NM_001408456.1, NM_001408410.1, NM_001408458.1 and 11 more transcripts); c.644-871del (NM_001408465.1, NM_001408463.1, NM_001408462.1 and 3 more transcripts); and 42 more; short protein forms E1210fs, E1163fs, E1082fs, E1099fs, E1168fs, E1169fs, E914fs, E1042fs.
Identifiers: ClinVar variation 54946 (VCV000054946.7), dbSNP rs397509090, ClinGen allele CA002324.
Genomic context (GRCh38, chr17:43,091,902, plus strand): 5'-AACAAGTGTTGGAAGCAGGGAAGCTCTTCATCCTCACTAGATAAGTTCTCTTCTGAGGAC[TC>T]TAATTTCTTGGCCCCTCTTCGGTAACCCTGAGCCAAATGTGTATGGGTGAAAGGGCTAGG-3'